The following is an entry in ClinVar:

NM_004360.5(CDH1):c.2165-12C>T

Gene: CDH1 (cadherin 1; plus strand). Cytogenetic location: 16q22.1.
Variant type: single nucleotide variant.
Coding change: c.2165-12C>T on transcript NM_004360.5 (MANE Select); 12 bases into the intron before coding-DNA position 2165, C replaced by T.
Molecular consequence: intron variant.
Genome position (GRCh38, 1-based): chr16:68,828,162, C>T. VCF-style: chr16-68828162-C-T. GRCh37 (hg19) VCF-style: chr16-68862065-C-T.
Other names: c.2165-12C>T (LRG_301t1); c.617-12C>T (NM_001317185.2); c.200-12C>T (NM_001317186.2); c.1982-12C>T (NM_001317184.2).
Identifiers: ClinVar variation 512762 (VCV000512762.1), dbSNP rs760834250, ClinGen allele CA658798632.

ClinVar aggregate classification (germline): Likely benign (1 of 4 stars; one submission).

Allele frequency attached by ClinVar (database versions not stated): gnomAD 0.00001; TOPMed below 0.00001.
gnomAD v4.1: 1 of 1,613,464 alleles (0.000062%); highest among the groups gnomAD compares: Non-Finnish European, 0.000085%; no homozygotes.

Submission:

GeneDx
Classification: Likely benign. Last evaluated: 2017-10-17. Review status: criteria provided, single submitter. Criteria: GeneDx Variant Classification (06012015). Collection method: clinical testing. Allele origin: germline. Affected: yes.
Comment: This variant is considered likely benign or benign based on one or more of the following criteria: it is a conservative change, it occurs at a poorly conserved position in the protein, it is predicted to be benign by multiple in silico algorithms, and/or has population frequency not consistent with disease.